The following is an entry in ClinVar:

ClinVar aggregate classification (germline): Uncertain significance. Review status: criteria provided, multiple submitters, no conflicts (2 of 4 stars). 3 submissions from 3 submitters: Uncertain significance (3). Last evaluated 2025-12-22.

Conditions:
Inborn genetic diseases. Identifiers: MedGen C0950123, MeSH D030342.

Allele frequency attached by ClinVar (database versions not stated): gnomAD 0.00004; TOPMed 0.00005; gnomAD exomes 0.00007 and 0.00002; ESP Exome Variant Server 0.00008; ExAC 0.00003.
gnomAD v4.1: 101 of 1,611,744 alleles (0.0063%); highest among the groups gnomAD compares: Non-Finnish European, 0.0086%; no homozygotes.

Submissions (3):

Ambry Genetics
Classification: Uncertain significance for Inborn genetic diseases. Last evaluated: 2025-12-22. Review status: criteria provided, single submitter. Criteria: Ambry Variant Classification Scheme 2023. Collection method: clinical testing. Allele origin: germline.

Labcorp Genetics (formerly Invitae), Labcorp
Classification: Uncertain significance. Last evaluated: 2024-10-08. Review status: criteria provided, single submitter. Criteria: Invitae Variant Classification Sherloc (09022015). Collection method: clinical testing. Allele origin: germline.
Comment: This sequence change replaces arginine, which is basic and polar, with tryptophan, which is neutral and slightly polar, at codon 273 of the USH1G protein (p.Arg273Trp). This variant is present in population databases (rs377680000, gnomAD 0.006%). This variant has not been reported in the literature in individuals affected with USH1G-related conditions. ClinVar contains an entry for this variant (Variation ID: 1003902). Invitae Evidence Modeling of protein sequence and biophysical properties (such as structural, functional, and spatial information, amino acid conservation, physicochemical variation, residue mobility, and thermodynamic stability) indicates that this missense variant is expected to disrupt USH1G protein function with a positive predictive value of 80%. In summary, the available evidence is currently insufficient to determine the role of this variant in disease. Therefore, it has been classified as a Variant of Uncertain Significance.

GeneDx
Classification: Uncertain significance. Last evaluated: 2023-01-10. Review status: criteria provided, single submitter. Criteria: GeneDx Variant Classification Process June 2021. Collection method: clinical testing. Allele origin: germline. Affected: yes.
Comment: Not observed at significant frequency in large population cohorts (gnomAD); In silico analysis supports that this missense variant has a deleterious effect on protein structure/function; Has not been previously published as pathogenic or benign to our knowledge

NM_173477.5(USH1G):c.817C>T (p.Arg273Trp)

Gene: USH1G (USH1 protein network component sans; minus strand). Cytogenetic location: 17q25.1.
Variant type: single nucleotide variant.
Coding change: c.817C>T on transcript NM_173477.5 (MANE Select); coding-DNA position 817, C replaced by T.
Protein change: p.Arg273Trp; replaces arginine 273 with tryptophan.
Molecular consequence: missense variant.
Genome position (GRCh38, 1-based): chr17:74,920,019, G>A on the plus strand (C>T on the coding strand, the complement: USH1G is on the minus strand). VCF-style: chr17-74920019-G-A. GRCh37 (hg19) VCF-style: chr17-72916114-G-A.
Other names: c.508C>T, p.Arg170Trp (NM_001282489.3); short protein forms R170W, R273W.
Identifiers: ClinVar variation 1003902 (VCV001003902.11), dbSNP rs377680000, ClinGen allele CA8753994.
Genomic context (GRCh38, chr17:74,920,019, plus strand): 5'-CAGGCTCGGCCGCCAGCGTGGCACGGGAGACGCTGTCCTCGTCCGAGAGGAACATGTCCC[G>A]GAGCGGGGCTCGGCCCCACTCCTTGGGATTGGCGTAGGTGCCCTGGCGCACGAACATCAC-3'
Protein context (NP_775748.2, residues 263-283): NPKEWGRAPL[Arg273Trp]DMFLSDEDSV